The following is an entry in ClinVar:

ClinVar aggregate classification (germline): Conflicting classifications of pathogenicity. Review status: criteria provided, conflicting classifications (1 of 4 stars). 2 submissions from 2 submitters: Uncertain significance (1); Likely benign (1). Last evaluated 2026-01-26.

Conditions:
Hereditary cancer-predisposing syndrome. Also called: Tumor predisposition; Hereditary neoplastic syndrome; Neoplastic Syndromes, Hereditary; Hereditary Cancer Syndrome. Identifiers: Orphanet 140162, MedGen C0027672, MeSH D009386, MONDO:0015356.
Gorlin syndrome. Also called: Nevoid Basal Cell Carcinoma Syndrome; Basal cell nevus syndrome. Identifiers: Orphanet 377, MedGen C0004779, MONDO:0007187.

Submissions (2):

Labcorp Genetics (formerly Invitae), Labcorp
Classification: Likely benign for Gorlin syndrome. Last evaluated: 2026-01-26. Review status: criteria provided, single submitter. Criteria: Invitae Variant Classification Sherloc (09022015). Collection method: clinical testing. Allele origin: germline.

Ambry Genetics
Classification: Uncertain significance for Hereditary cancer-predisposing syndrome. Last evaluated: 2025-10-22. Review status: criteria provided, single submitter. Criteria: Ambry Variant Classification Scheme 2023. Collection method: clinical testing. Allele origin: germline.
Comment: The p.R255L variant (also known as c.764G>T), located in coding exon 6 of the PTCH1 gene, results from a G to T substitution at nucleotide position 764. The arginine at codon 255 is replaced by leucine, an amino acid with dissimilar properties. This amino acid position is conserved. In addition, the in silico prediction for this alteration is inconclusive. Since supporting evidence is limited at this time, the clinical significance of this alteration remains unclear.

NM_000264.5(PTCH1):c.764G>T (p.Arg255Leu)

Gene: PTCH1 (patched 1; minus strand). Cytogenetic location: 9q22.32.
Variant type: single nucleotide variant.
Coding change: c.764G>T on transcript NM_000264.5 (MANE Select); coding-DNA position 764, G replaced by T.
Protein change: p.Arg255Leu; replaces arginine 255 with leucine.
Molecular consequence: missense variant. On other transcripts: non-coding transcript variant (1).
Genome position (GRCh38, 1-based): chr9:95,480,571, C>A on the plus strand (G>T on the coding strand, the complement: PTCH1 is on the minus strand). VCF-style: chr9-95480571-C-A. GRCh37 (hg19) VCF-style: chr9-98242853-C-A.
Other names: c.764G>T (NM_000264.3); c.566G>T, p.Arg189Leu (NM_001083602.3); c.761G>T, p.Arg254Leu (NM_001083603.3); c.311G>T, p.Arg104Leu (NM_001083604.3, NM_001083605.3, NM_001083606.3 and 1 more transcripts); c.764G>T, p.Arg255Leu (NM_001354918.2); short protein forms R254L, R104L, R189L, R255L.
Identifiers: ClinVar variation 1501116 (VCV001501116.9), dbSNP rs779870576, ClinGen allele CA374114550.